The following is an entry in ClinVar:

NM_000038.6(APC):c.3262A>G (p.Lys1088Glu)

Gene: APC (APC regulator of Wnt signaling pathway; plus strand). Cytogenetic location: 5q22.2.
Variant type: single nucleotide variant.
Coding change: c.3262A>G on transcript NM_000038.6 (MANE Select); coding-DNA position 3262, A replaced by G.
Protein change: p.Lys1088Glu; replaces lysine 1088 with glutamic acid.
Molecular consequence: missense variant.
Genome position (GRCh38, 1-based): chr5:112,838,856, A>G. VCF-style: chr5-112838856-A-G. GRCh37 (hg19) VCF-style: chr5-112174553-A-G.
Other names: c.3262A>G, p.Lys1088Glu (NM_001127510.3, NM_001354895.2); c.3208A>G, p.Lys1070Glu (NM_001127511.3); c.3316A>G, p.Lys1106Glu (NM_001354896.2); c.3292A>G, p.Lys1098Glu (NM_001354897.2); c.3187A>G, p.Lys1063Glu (NM_001354898.2); c.3178A>G, p.Lys1060Glu (NM_001354899.2); c.3139A>G, p.Lys1047Glu (NM_001354900.2); c.3085A>G, p.Lys1029Glu (NM_001354901.2); and 5 more; short protein forms K1029E, K962E, K1047E, K1106E, K805E, K1063E, K1070E, K1088E.
Identifiers: ClinVar variation 836104 (VCV000836104.11), dbSNP rs1554084883, ClinGen allele CA16028491.

ClinVar aggregate classification (germline): Uncertain significance (1 of 4 stars; one submission).

Conditions:
Familial adenomatous polyposis 1 (FAP1). Also called: POLYPOSIS, ADENOMATOUS INTESTINAL; FAMILIAL ADENOMATOUS POLYPOSIS 1, ATTENUATED. Identifiers: MedGen C2713442, MONDO:0021056, OMIM 175100. Disease mechanism: loss of function.

Submission:

Labcorp Genetics (formerly Invitae), Labcorp
Classification: Uncertain significance for Familial adenomatous polyposis 1. Last evaluated: 2024-06-10. Review status: criteria provided, single submitter. Criteria: Invitae Variant Classification Sherloc (09022015). Collection method: clinical testing. Allele origin: germline.
Comment: This sequence change replaces lysine, which is basic and polar, with glutamic acid, which is acidic and polar, at codon 1088 of the APC protein (p.Lys1088Glu). This variant is not present in population databases (gnomAD no frequency). This variant has not been reported in the literature in individuals affected with APC-related conditions. ClinVar contains an entry for this variant (Variation ID: 836104). Advanced modeling of protein sequence and biophysical properties (such as structural, functional, and spatial information, amino acid conservation, physicochemical variation, residue mobility, and thermodynamic stability) performed at Invitae indicates that this missense variant is not expected to disrupt APC protein function with a negative predictive value of 95%. In summary, the available evidence is currently insufficient to determine the role of this variant in disease. Therefore, it has been classified as a Variant of Uncertain Significance.